The following is an entry in ClinVar:

ClinVar aggregate classification (germline): Uncertain significance (1 of 4 stars; one submission).

Conditions:
Inborn genetic diseases. Identifiers: MedGen C0950123, MeSH D030342.

Submission:

Ambry Genetics
Classification: Uncertain significance for Inborn genetic diseases. Last evaluated: 2025-12-11. Review status: criteria provided, single submitter. Criteria: Ambry Variant Classification Scheme 2023. Collection method: clinical testing. Allele origin: germline.
Comment: The c.216_218delGAG variant (also known as p.R72del) is located in coding exon 3 of the RUNX1 gene. This variant results from an in-frame GAG deletion at nucleotide positions 216 to 218. This results in the in-frame deletion of an arginine at codon 72. This amino acid position is highly conserved in available vertebrate species. In addition, this variant is predicted to be deleterious by in silico analysis (Choi Y et al. PLoS ONE. 2012; 7(10):e46688). Based on the available evidence, the clinical significance of this variant remains unclear.

NM_001754.5(RUNX1):c.213GAG[1] (p.Arg72del)

Gene: RUNX1 (RUNX family transcription factor 1; minus strand). Cytogenetic location: 21q22.12.
Variant type: Microsatellite.
Coding change: c.213GAG[1] on transcript NM_001754.5 (MANE Select); one copy of the 3-base unit GAG starting at c.213; the reference has two copies in a row; one copy, 3 bases deleted.
Protein change: p.Arg72del; deletes arginine 72.
Molecular consequence: inframe deletion. On other transcripts: inframe indel (2).
Genome position (GRCh38, 1-based): chr21:34,886,976-34,886,978, CTC deleted on the plus strand (GAG on the coding strand, the reverse complement: RUNX1 is on the minus strand); deleting any 3 consecutive bases within chr21:34,886,976-34,886,981 gives the same sequence; the position shown is the placement nearest the transcript's 3' end. VCF-style (leftmost placement, unchanged base first): chr21-34886975-GCTC-G. GRCh37 (hg19) VCF-style: chr21-36259272-GCTC-G.
Other names: c.132GAG[1], p.Arg45del (NM_001001890.3, NM_001122607.2); c.213_215GAG[1], p.Arg72del (NM_001754.4); c.216_218delGAG (NM_001754.4); short protein forms R45del, R72del.
Identifiers: ClinVar variation 4629718 (VCV004629718.1).